The following is an entry in ClinVar:

ClinVar aggregate classification (germline): Uncertain significance. Review status: criteria provided, multiple submitters, no conflicts (2 of 4 stars). 2 submissions from 2 submitters: Uncertain significance (2). Last evaluated 2025-11-12.

Allele frequency attached by ClinVar (database versions not stated): gnomAD 0.00001; gnomAD exomes 0.00003; TOPMed 0.00006; ExAC 0.00009.

Submissions (2):

Labcorp Genetics (formerly Invitae), Labcorp
Classification: Uncertain significance. Last evaluated: 2025-11-12. Review status: criteria provided, single submitter. Criteria: Invitae Variant Classification Sherloc (09022015). Collection method: clinical testing. Allele origin: germline.
Comment: This sequence change replaces valine, which is neutral and non-polar, with methionine, which is neutral and non-polar, at codon 532 of the RFWD3 protein (p.Val532Met). This variant is present in population databases (rs201496518, gnomAD 0.08%), and has an allele count higher than expected for a pathogenic variant. This variant has not been reported in the literature in individuals affected with RFWD3-related conditions. ClinVar contains an entry for this variant (Variation ID: 2203196). An algorithm developed to predict the effect of missense changes on protein structure and function (PolyPhen-2) suggests that this variant is likely to be disruptive. In summary, the available evidence is currently insufficient to determine the role of this variant in disease. Therefore, it has been classified as a Variant of Uncertain Significance.

Ambry Genetics
Classification: Uncertain significance. Last evaluated: 2024-12-23. Review status: criteria provided, single submitter. Criteria: Ambry Variant Classification Scheme 2023. Collection method: clinical testing. Allele origin: germline.

NM_018124.4(RFWD3):c.1594G>A (p.Val532Met)

Gene: RFWD3 (ring finger and WD repeat domain 3; minus strand). Cytogenetic location: 16q23.1.
Variant type: single nucleotide variant.
Coding change: c.1594G>A on transcript NM_018124.4 (MANE Select); coding-DNA position 1594, G replaced by A.
Protein change: p.Val532Met; replaces valine 532 with methionine.
Molecular consequence: missense variant. On other transcripts: intron variant (1).
Genome position (GRCh38, 1-based): chr16:74,630,941, C>T on the plus strand (G>A on the coding strand, the complement: RFWD3 is on the minus strand). VCF-style: chr16-74630941-C-T. GRCh37 (hg19) VCF-style: chr16-74664839-C-T.
Other names: c.1594G>A (NM_018124.3); c.1594G>A, p.Val532Met (NM_001370534.1, NM_001370535.1); c.760G>A, p.Val254Met (NM_001370537.1, NM_001370539.1, NM_001370540.1 and 3 more transcripts); c.1577+1582G>A (NM_001370536.1); short protein forms V254M, V532M.
Identifiers: ClinVar variation 2203196 (VCV002203196.6), dbSNP rs201496518, ClinGen allele CA8169129.